The following is an entry in ClinVar:

NM_003816.3(ADAM9):c.230A>G (p.His77Arg)

Gene: ADAM9 (ADAM metallopeptidase domain 9; plus strand). Cytogenetic location: 8p11.22.
Variant type: single nucleotide variant.
Coding change: c.230A>G on transcript NM_003816.3 (MANE Select); coding-DNA position 230, A replaced by G.
Protein change: p.His77Arg; replaces histidine 77 with arginine.
Molecular consequence: missense variant. On other transcripts: non-coding transcript variant (3).
Genome position (GRCh38, 1-based): chr8:39,011,692, A>G. VCF-style: chr8-39011692-A-G. GRCh37 (hg19) VCF-style: chr8-38869211-A-G.
Other names: short protein forms H77R.
Identifiers: ClinVar variation 1467598 (VCV001467598.6), dbSNP rs765400681, ClinGen allele CA4721249.
Genomic context (GRCh38, chr8:39,011,692, plus strand): 5'-ATTCTTTTCCCCTTCTGTGCATTTAGGTATCTTATGTTATTCAGGCTGAAGGAAAAGAGC[A>G]TATTATTCACTTGGAAAGGAACAAGTAAGACATTTAATTTATTTTGGCTTTTCAGTAATG-3'
Protein context (NP_003807.1, residues 67-87): SYVIQAEGKE[His77Arg]IIHLERNKDL

ClinVar aggregate classification (germline): Uncertain significance. Review status: criteria provided, multiple submitters, no conflicts (2 of 4 stars). 2 submissions from 2 submitters: Uncertain significance (2). Last evaluated 2022-07-12.

Allele frequency attached by ClinVar (database versions not stated): gnomAD exomes below 0.00001; ExAC 0.00001; TOPMed 0.00002; gnomAD 0.00003.
gnomAD v4.1: 9 of 1,611,876 alleles (0.00056%); highest among the groups gnomAD compares: Non-Finnish European, 0.00068%; no homozygotes.

Submissions (2):

Labcorp Genetics (formerly Invitae), Labcorp
Classification: Uncertain significance. Last evaluated: 2022-07-12. Review status: criteria provided, single submitter. Criteria: Invitae Variant Classification Sherloc (09022015). Collection method: clinical testing. Allele origin: germline.
Comment: This sequence change replaces histidine, which is basic and polar, with arginine, which is basic and polar, at codon 77 of the ADAM9 protein (p.His77Arg). This variant is present in population databases (rs765400681, gnomAD 0.0009%). This variant has not been reported in the literature in individuals affected with ADAM9-related conditions. ClinVar contains an entry for this variant (Variation ID: 1467598). Algorithms developed to predict the effect of missense changes on protein structure and function output the following: SIFT: "Deleterious"; PolyPhen-2: "Benign"; Align-GVGD: "Class C0". The arginine amino acid residue is found in multiple mammalian species, which suggests that this missense change does not adversely affect protein function. In summary, the available evidence is currently insufficient to determine the role of this variant in disease. Therefore, it has been classified as a Variant of Uncertain Significance.

Blueprint Genetics
Classification: Uncertain significance. Last evaluated: 2022-03-01. Review status: criteria provided, single submitter. Criteria: ACMG Guidelines, 2015. Collection method: clinical testing. Allele origin: germline.